The following is an entry in ClinVar:

ClinVar aggregate classification (germline): Likely benign. Review status: criteria provided, multiple submitters, no conflicts (2 of 4 stars). 4 submissions from 4 submitters: Likely benign (3). 1 of the submissions does not count toward it. Last evaluated 2026-01-18.

Conditions:
KCNT1-related disorder. Also called: KCNT1-related condition.
Inborn genetic diseases. Identifiers: MedGen C0950123, MeSH D030342.
Autosomal dominant nocturnal frontal lobe epilepsy 5. Also called: KCNT1-Related Epilepsy; CILIARY DYSKINESIA, PRIMARY, 28, WITHOUT SITUS INVERSUS; CILIARY DYSKINESIA, PRIMARY, 28, WITH SITUS INVERSUS; Epilepsy, nocturnal frontal lobe, 5. Identifiers: Orphanet 98784, MedGen C3554306, MONDO:0014002, OMIM 615005.
Developmental and epileptic encephalopathy, 14 (DEE14). Also called: Early infantile epileptic encephalopathy 14. Identifiers: Orphanet 293181, MedGen C3554195, MONDO:0013989, OMIM 614959.

Allele frequency attached by ClinVar (database versions not stated): gnomAD 0.00003; gnomAD exomes 0.00004 and 0.00008; TOPMed 0.00004; ESP Exome Variant Server 0.00009; ExAC 0.00015.

Submissions (4):

Labcorp Genetics (formerly Invitae), Labcorp
Classification: Likely benign for Autosomal dominant nocturnal frontal lobe epilepsy 5; Developmental and epileptic encephalopathy, 14. Last evaluated: 2026-01-18. Review status: criteria provided, single submitter. Criteria: Invitae Variant Classification Sherloc (09022015). Collection method: clinical testing. Allele origin: germline.

CeGaT Center for Human Genetics Tuebingen
Classification: Likely benign. Last evaluated: 2025-03-01. Review status: criteria provided, single submitter. Criteria: CeGaT Center For Human Genetics Tuebingen Variant Classification Criteria Version 2. Collection method: clinical testing. Allele origin: germline. Affected: yes. Observed: 1 variant allele.
Comment: KCNT1: BP4, BP5

Ambry Genetics
Classification: Likely benign for Inborn genetic diseases. Last evaluated: 2024-01-24. Review status: criteria provided, single submitter. Criteria: Ambry Variant Classification Scheme 2023. Collection method: clinical testing. Allele origin: germline.

PreventionGenetics, part of Exact Sciences
Classification: Likely benign for KCNT1-related condition. Last evaluated: 2024-06-15. Review status: no assertion criteria provided. Collection method: clinical testing. Allele origin: germline. Not counted in ClinVar's aggregate classification.
Comment: This variant is classified as likely benign based on ACMG/AMP sequence variant interpretation guidelines (Richards et al. 2015 PMID: 25741868, with internal and published modifications).

NM_020822.3(KCNT1):c.3275G>A (p.Arg1092His)

Gene: KCNT1 (potassium sodium-activated channel subfamily T member 1; plus strand). Cytogenetic location: 9q34.3.
Variant type: single nucleotide variant.
Coding change: c.3275G>A on transcript NM_020822.3 (MANE Select); coding-DNA position 3275, G replaced by A.
Protein change: p.Arg1092His; replaces arginine 1092 with histidine.
Molecular consequence: missense variant.
Genome position (GRCh38, 1-based): chr9:135,786,294, G>A. VCF-style: chr9-135786294-G-A. GRCh37 (hg19) VCF-style: chr9-138678140-G-A.
Other names: c.3140G>A, p.Arg1047His (NM_001272003.2); short protein forms R1092H, R1047H.
Identifiers: ClinVar variation 473383 (VCV000473383.24), dbSNP rs369576806, ClinGen allele CA5327765.
Genomic context (GRCh38, chr9:135,786,294, plus strand): 5'-CACGGGAAGTGAAGGGGCCCTGGGGCTCCCGCGCTGGCACCGGAGGCAGCTCCCAGGGCC[G>A]CCACACGGGCGGCGGTGACCCCGCAGAGCACCCACTGCTACGGCGCAAGAGCCTGCAGTG-3'
Protein context (NP_065873.2, residues 1082-1102): RAGTGGSSQG[Arg1092His]HTGGGDPAEH